The following is an entry in ClinVar:

ClinVar aggregate classification (germline): Uncertain significance. Review status: criteria provided, multiple submitters, no conflicts (2 of 4 stars). 2 submissions from 2 submitters: Uncertain significance (2). Last evaluated 2025-08-20.

Conditions:
Familial cancer of breast. Also called: Hereditary breast cancer; BREAST CANCER, FAMILIAL; hereditary breast carcinoma. Identifiers: Orphanet 227535, MedGen C0346153, MONDO:0016419, OMIM 114480. Disease mechanism: loss of function.
Hereditary cancer-predisposing syndrome. Also called: Hereditary neoplastic syndrome; Neoplastic Syndromes, Hereditary; Tumor predisposition; Hereditary Cancer Syndrome. Identifiers: Orphanet 140162, MedGen C0027672, MeSH D009386, MONDO:0015356.

Allele frequency attached by ClinVar (database versions not stated): TOPMed below 0.00001.

Submissions (2):

Ambry Genetics
Classification: Uncertain significance for Hereditary cancer-predisposing syndrome. Last evaluated: 2025-08-20. Review status: criteria provided, single submitter. Criteria: Ambry Variant Classification Scheme 2023. Collection method: clinical testing. Allele origin: germline.
Comment: The p.T389A variant (also known as c.1165A>G), located in coding exon 10 of the CHEK2 gene, results from an A to G substitution at nucleotide position 1165. The threonine at codon 389 is replaced by alanine, an amino acid with similar properties. This amino acid position is well conserved in available vertebrate species. In addition, the in silico prediction for this alteration is inconclusive. Based on the available evidence, the clinical significance of this variant remains unclear.

Labcorp Genetics (formerly Invitae), Labcorp
Classification: Uncertain significance for Familial cancer of breast. Last evaluated: 2022-02-09. Review status: criteria provided, single submitter. Criteria: Invitae Variant Classification Sherloc (09022015). Collection method: clinical testing. Allele origin: germline.
Comment: In summary, the available evidence is currently insufficient to determine the role of this variant in disease. Therefore, it has been classified as a Variant of Uncertain Significance. Experimental studies have shown that this missense change affects CHEK2 function (PMID: 20713355). Algorithms developed to predict the effect of missense changes on protein structure and function are either unavailable or do not agree on the potential impact of this missense change (SIFT: "Deleterious"; PolyPhen-2: "Benign"; Align-GVGD: "Class C0"). This variant has not been reported in the literature in individuals affected with CHEK2-related conditions. This variant is not present in population databases (gnomAD no frequency). This sequence change replaces threonine, which is neutral and polar, with alanine, which is neutral and non-polar, at codon 389 of the CHEK2 protein (p.Thr389Ala).

Literature cited by the submitters: PubMed 20713355 (cited by Labcorp Genetics (formerly Invitae), Labcorp).

NM_007194.4(CHEK2):c.1165A>G (p.Thr389Ala)

Gene: CHEK2 (checkpoint kinase 2; minus strand). Cytogenetic location: 22q12.1.
Variant type: single nucleotide variant.
Coding change: c.1165A>G on transcript NM_007194.4 (MANE Select); coding-DNA position 1165, A replaced by G.
Protein change: p.Thr389Ala; replaces threonine 389 with alanine.
Molecular consequence: missense variant.
Genome position (GRCh38, 1-based): chr22:28,695,804, T>C on the plus strand (A>G on the coding strand, the complement: CHEK2 is on the minus strand). VCF-style: chr22-28695804-T-C. GRCh37 (hg19) VCF-style: chr22-29091792-T-C.
Other names: c.1294A>G, p.Thr432Ala (NM_001005735.3); c.502A>G, p.Thr168Ala (NM_001257387.3); c.964A>G, p.Thr322Ala (NM_001349956.3); c.1078A>G, p.Thr360Ala (NM_145862.3); c.1165A>G (NM_007194.3); short protein forms T168A, T322A, T389A, T360A, T432A.
Identifiers: ClinVar variation 2095534 (VCV002095534.5), dbSNP rs2052559197, ClinGen allele CA411096842.